The following is an entry in ClinVar:

NM_001033855.3(DCLRE1C):c.918-3T>C

Gene: DCLRE1C (DNA cross-link repair 1C; minus strand). Cytogenetic location: 10p13.
Variant type: single nucleotide variant.
Coding change: c.918-3T>C on transcript NM_001033855.3 (MANE Select); 3 bases into the intron before coding-DNA position 918, T replaced by C.
Molecular consequence: intron variant.
Genome position (GRCh38, 1-based): chr10:14,926,900, A>G on the plus strand (T>C on the coding strand, the complement: DCLRE1C is on the minus strand). VCF-style: chr10-14926900-A-G. GRCh37 (hg19) VCF-style: chr10-14968899-A-G.
Other names: c.573-3T>C (NM_001350966.2, NM_001289078.2, NM_001289076.2 and 1 more transcripts); c.918-3T>C (NM_001350965.2); c.558-3T>C (NM_001350967.2, NM_001289077.2, NM_001289079.2 and 2 more transcripts).
Identifiers: ClinVar variation 1446293 (VCV001446293.3), dbSNP rs770226530, ClinGen allele CA5416627.

ClinVar aggregate classification (germline): Uncertain significance (1 of 4 stars; one submission).

Conditions:
Severe combined immunodeficiency due to DCLRE1C deficiency (RS-SCID). Also called: SCID, AUTOSOMAL RECESSIVE, T CELL-NEGATIVE, B CELL-NEGATIVE, NK CELL-POSITIVE, WITH SENSITIVITY TO IONIZING RADIATION. Identifiers: Orphanet 275, MedGen C1865371, MONDO:0011225, OMIM 602450.

Allele frequency attached by ClinVar (database versions not stated): TOPMed 0.00001; gnomAD exomes below 0.00001; ExAC 0.00001.
gnomAD v4.1: 6 of 1,612,846 alleles (0.00037%); highest among the groups gnomAD compares: African/African-American, 0.0067%; no homozygotes.

Submission:

Labcorp Genetics (formerly Invitae), Labcorp
Classification: Uncertain significance for Athabaskan severe combined immunodeficiency. Last evaluated: 2022-03-17. Review status: criteria provided, single submitter. Criteria: Invitae Variant Classification Sherloc (09022015). Collection method: clinical testing. Allele origin: germline.
Comment: This sequence change falls in intron 10 of the DCLRE1C gene. It does not directly change the encoded amino acid sequence of the DCLRE1C protein. It affects a nucleotide within the consensus splice site. This variant is present in population databases (rs770226530, gnomAD 0.007%). This variant has not been reported in the literature in individuals affected with DCLRE1C-related conditions. Variants that disrupt the consensus splice site are a relatively common cause of aberrant splicing (PMID: 17576681, 9536098). Algorithms developed to predict the effect of sequence changes on RNA splicing suggest that this variant is not likely to affect RNA splicing. In summary, the available evidence is currently insufficient to determine the role of this variant in disease. Therefore, it has been classified as a Variant of Uncertain Significance.

Literature cited by the submitters: PubMed 17576681; PubMed 9536098.